The following is an entry in ClinVar:

ClinVar aggregate classification (germline): Uncertain significance. Review status: criteria provided, multiple submitters, no conflicts (2 of 4 stars). 2 submissions from 2 submitters: Uncertain significance (2). Last evaluated 2025-12-28.

Conditions:
Epilepsy, familial focal, with variable foci 3 (FFEVF3). Identifiers: MedGen C4310708, MONDO:0014925, OMIM 617118.
Inborn genetic diseases. Identifiers: MedGen C0950123, MeSH D030342.

Allele frequency attached by ClinVar (database versions not stated): gnomAD exomes below 0.00001 and 0.00002; gnomAD 0.00001; TOPMed 0.00001; ExAC 0.00006.
gnomAD v4.1: 8 of 1,587,714 alleles (0.0005%); highest among the groups gnomAD compares: African/African-American, 0.0013%; no homozygotes.

Submissions (2):

Labcorp Genetics (formerly Invitae), Labcorp
Classification: Uncertain significance for Epilepsy, familial focal, with variable foci 3. Last evaluated: 2025-12-28. Review status: criteria provided, single submitter. Criteria: Invitae Variant Classification Sherloc (09022015). Collection method: clinical testing. Allele origin: germline.
Comment: This sequence change replaces alanine, which is neutral and non-polar, with threonine, which is neutral and polar, at codon 179 of the NPRL3 protein (p.Ala179Thr). The frequency data for this variant in the population databases is considered unreliable, as metrics indicate poor data quality at this position in the gnomAD database. This variant has not been reported in the literature in individuals affected with NPRL3-related conditions. ClinVar contains an entry for this variant (Variation ID: 1496718). Experimental studies and prediction algorithms are not available or were not evaluated, and the functional significance of this variant is currently unknown. In summary, the available evidence is currently insufficient to determine the role of this variant in disease. Therefore, it has been classified as a Variant of Uncertain Significance.

Ambry Genetics
Classification: Uncertain significance for Inborn genetic diseases. Last evaluated: 2024-08-20. Review status: criteria provided, single submitter. Criteria: Ambry Variant Classification Scheme 2023. Collection method: clinical testing. Allele origin: germline.

NM_001077350.3(NPRL3):c.535G>A (p.Ala179Thr)

Genes: HBA-LCR (alpha-globin locus control region; plus strand), NPRL3 (NPR3 like, GATOR1 complex subunit; minus strand). Cytogenetic location: 16p13.3.
Variant type: single nucleotide variant.
Coding change: c.535G>A on transcript NM_001077350.3 (MANE Select); coding-DNA position 535, G replaced by A.
Protein change: p.Ala179Thr; replaces alanine 179 with threonine.
Molecular consequence: missense variant. On other transcripts: 5 prime UTR variant (1).
Genome position (GRCh38, 1-based): chr16:112,634, C>T on the plus strand (G>A on the coding strand, the complement: NPRL3 is on the minus strand). VCF-style: chr16-112634-C-T. GRCh37 (hg19) VCF-style: chr16-162633-C-T.
Other names: c.-3G>A (NM_001039476.3); c.301G>A, p.Ala101Thr (NM_001243247.2); c.460G>A, p.Ala154Thr (NM_001243248.2, NM_001243249.2); c.535G>A (NM_001077350.2); short protein forms A154T, A101T, A179T.
Identifiers: ClinVar variation 1496718 (VCV001496718.7), dbSNP rs755120736, ClinGen allele CA7769643.